The following is an entry in ClinVar:

NM_000824.5(GLRB):c.544T>C (p.Ser182Pro)

Gene: GLRB (glycine receptor beta; plus strand). Cytogenetic location: 4q32.1.
Variant type: single nucleotide variant.
Coding change: c.544T>C on transcript NM_000824.5 (MANE Select); coding-DNA position 544, T replaced by C.
Protein change: p.Ser182Pro; replaces serine 182 with proline.
Molecular consequence: missense variant.
Genome position (GRCh38, 1-based): chr4:157,136,820, T>C. VCF-style: chr4-157136820-T-C. GRCh37 (hg19) VCF-style: chr4-158057972-T-C.
Other names: c.544T>C, p.Ser182Pro (NM_001166060.2, NM_001166061.2); short protein forms S182P.
Identifiers: ClinVar variation 1384521 (VCV001384521.6), dbSNP rs2126567087, ClinGen allele CA358642832.

ClinVar aggregate classification (germline): Uncertain significance (1 of 4 stars; one submission).

Conditions:
Hyperekplexia 2 (HKPX2). Identifiers: Orphanet 3197, MedGen C3553291, MONDO:0013828, OMIM 614619.

Submission:

Labcorp Genetics (formerly Invitae), Labcorp
Classification: Uncertain significance for Hyperekplexia 2. Last evaluated: 2021-11-22. Review status: criteria provided, single submitter. Criteria: Invitae Variant Classification Sherloc (09022015). Collection method: clinical testing. Allele origin: germline.
Comment: In summary, the available evidence is currently insufficient to determine the role of this variant in disease. Therefore, it has been classified as a Variant of Uncertain Significance. Advanced modeling of protein sequence and biophysical properties (such as structural, functional, and spatial information, amino acid conservation, physicochemical variation, residue mobility, and thermodynamic stability) performed at Invitae indicates that this missense variant is not expected to disrupt GLRB protein function. This variant has not been reported in the literature in individuals affected with GLRB-related conditions. This variant is not present in population databases (gnomAD no frequency). This sequence change replaces serine, which is neutral and polar, with proline, which is neutral and non-polar, at codon 182 of the GLRB protein (p.Ser182Pro).